The following is an entry in ClinVar:

ClinVar aggregate classification (germline): Uncertain significance (1 of 4 stars; one submission).

Conditions:
Cortical dysplasia-focal epilepsy syndrome (PTHSL1). Also called: Pitt-Hopkins-like syndrome 1. Identifiers: Orphanet 163681, Orphanet 221150, MedGen C2750246, MONDO:0012400, OMIM 610042.

Submission:

Labcorp Genetics (formerly Invitae), Labcorp
Classification: Uncertain significance for Cortical dysplasia-focal epilepsy syndrome. Last evaluated: 2019-12-11. Review status: criteria provided, single submitter. Criteria: Invitae Variant Classification Sherloc (09022015). Collection method: clinical testing. Allele origin: germline.
Comment: In summary, the available evidence is currently insufficient to determine the role of this variant in disease. Therefore, it has been classified as a Variant of Uncertain Significance. Experimental studies are not available for this variant, and the functional significance of the duplicated exon is currently unknown. This variant has not been reported in the literature in individuals with CNTNAP2-related disease. This variant is a gross duplication of the genomic region encompassing exons 12 of the CNTNAP2 gene. While the exact position of the duplicated exons cannot be determined from this data, the duplicated copy of this region is likely in tandem and in-frame, therefore preserving the integrity of the reading frame.

NC_000007.13:g.(?_147259210)_(147259369_?)dup

Gene: CNTNAP2 (contactin associated protein 2; plus strand). Cytogenetic location: 7q35.
Variant type: Duplication.
Identifiers: ClinVar variation 536343 (VCV000536343.10).